The following is an entry in ClinVar:

NM_031471.6(FERMT3):c.405C>T (p.His135=)

Gene: FERMT3 (FERM domain containing kindlin 3; plus strand). Cytogenetic location: 11q13.1.
Variant type: single nucleotide variant.
Coding change: c.405C>T on transcript NM_031471.6 (MANE Select); coding-DNA position 405, C replaced by T.
Protein change: p.His135=; no amino-acid change (histidine 135 retained).
Molecular consequence: synonymous variant. On other transcripts: 5 prime UTR variant (2).
Genome position (GRCh38, 1-based): chr11:64,211,062, C>T. VCF-style: chr11-64211062-C-T. GRCh37 (hg19) VCF-style: chr11-63978534-C-T.
Other names: p.His135=; c.405C>T, p.His135= (NM_001382361.1, NM_001382362.1, NM_001382448.1 and 1 more transcripts); c.-136C>T (NM_001382363.1, NM_001382364.1).
Identifiers: ClinVar variation 197359 (VCV000197359.41), dbSNP rs78810429, ClinGen allele CA202837.
Genomic context (GRCh38, chr11:64,211,062, plus strand): 5'-GGGAGGCTGCAGCAGGACCTAGTCCCCGCTGAGACCCTAGCTCCCCTCAGGCATCCGGCA[C>T]CCCGAGGAGCTGTCCCTGCTCCGGGCTCCTGAGAAGAAGGAGAAGAAGAAGAAAGAGAAG-3'
Protein context (NP_113659.3, residues 125-145): AAICRLLSIR[His135=]PEELSLLRAP

ClinVar aggregate classification (germline): Benign. Review status: criteria provided, multiple submitters, no conflicts (2 of 4 stars). 6 submissions from 6 submitters: Benign (6). Last evaluated 2026-02-01.

Conditions:
Leukocyte adhesion deficiency 3. Also called: Leukocyte adhesion deficiency, type III; INTEGRIN ACTIVATION DEFICIENCY DISEASE; LEUKOCYTE ADHESION DEFICIENCY 1 VARIANT. Identifiers: Orphanet 2968, Orphanet 99844, MedGen C2748536, MONDO:0013016, OMIM 612840.

Allele frequency attached by ClinVar (database versions not stated): 1000 Genomes Project 0.00539; 1000 Genomes Project 30x 0.00562; ESP Exome Variant Server 0.00740; TOPMed 0.00884; gnomAD exomes 0.00919 and 0.01202; gnomAD 0.00923 and 0.00926; ExAC 0.01282.
gnomAD v4.1: 18,649 of 1,596,214 alleles (1.2%); highest among the groups gnomAD compares: Non-Finnish European, 1.3%; 135 homozygotes.

Submissions (6):

Labcorp Genetics (formerly Invitae), Labcorp
Classification: Benign for Leukocyte adhesion deficiency 3. Last evaluated: 2026-02-01. Review status: criteria provided, single submitter. Criteria: Invitae Variant Classification Sherloc (09022015). Collection method: clinical testing. Allele origin: germline.

Women's Health and Genetics/Laboratory Corporation of America, LabCorp
Classification: Benign. Last evaluated: 2026-01-22. Review status: criteria provided, single submitter. Criteria: LabCorp Variant Classification Summary - May 2015. Collection method: clinical testing. Allele origin: germline.

CeGaT Center for Human Genetics Tuebingen
Classification: Benign. Last evaluated: 2025-09-01. Review status: criteria provided, single submitter. Criteria: CeGaT Center For Human Genetics Tuebingen Variant Classification Criteria Version 2. Collection method: clinical testing. Allele origin: germline. Affected: yes. Observed: 7 variant alleles.
Comment: FERMT3: BP4, BP7, BS1, BS2

Mayo Clinic Laboratories, Mayo Clinic
Classification: Benign. Last evaluated: 2023-11-08. Review status: criteria provided, single submitter. Criteria: ACMG Guidelines, 2015. Collection method: clinical testing. Allele origin: germline. Observed: 11 variant alleles.
Comment: BS1, BS2, BP4, BP7

Eurofins Ntd Llc (ga)
Classification: Benign. Last evaluated: 2015-01-05. Review status: criteria provided, single submitter. Criteria: EGL Classification Definitions 2015. Collection method: clinical testing. Allele origin: germline. Observed: 5 variant alleles, 5 heterozygotes.

Breakthrough Genomics
Classification: Benign. Review status: criteria provided, single submitter. Criteria: ACMG Guidelines, 2015. Collection method: not provided. Allele origin: germline. Inheritance: Autosomal recessive inheritance. Affected: yes.